The following is an entry in ClinVar:

NM_004170.6(SLC1A1):c.633C>T (p.Asn211=)

Gene: SLC1A1 (solute carrier family 1 member 1; plus strand). Cytogenetic location: 9p24.2.
Variant type: single nucleotide variant.
Coding change: c.633C>T on transcript NM_004170.6 (MANE Select); coding-DNA position 633, C replaced by T.
Protein change: p.Asn211=; no amino-acid change (asparagine 211 retained).
Molecular consequence: synonymous variant.
Genome position (GRCh38, 1-based): chr9:4,572,254, C>T. VCF-style: chr9-4572254-C-T. GRCh37 (hg19) VCF-style: chr9-4572254-C-T.
Identifiers: ClinVar variation 367047 (VCV000367047.25), dbSNP rs143022823, ClinGen allele CA4969080.

ClinVar aggregate classification (germline): Conflicting classifications of pathogenicity. Review status: criteria provided, conflicting classifications (1 of 4 stars). 4 submissions from 4 submitters: Uncertain significance (1); Benign (1); Likely benign (1). 1 of the submissions does not count toward it. Last evaluated 2026-07-01.

Conditions:
SLC1A1-related disorder. Also called: SLC1A1-related condition.
Dicarboxylic aminoaciduria (DCBXA). Also called: GLUTAMATE-ASPARTATE TRANSPORT DEFECT. Identifiers: Orphanet 2195, MedGen C1857253, MONDO:0009110, OMIM 222730.

Allele frequency attached by ClinVar (database versions not stated): TOPMed 0.00073; 1000 Genomes Project 30x 0.00078; 1000 Genomes Project 0.00100; ESP Exome Variant Server 0.00131; gnomAD 0.00156 and 0.00161; gnomAD exomes 0.00166 and 0.00219; ExAC 0.00230.
gnomAD v4.1: 2,664 of 1,614,088 alleles (0.17%); highest among the groups gnomAD compares: Non-Finnish European, 0.14%; 9 homozygotes.

Submissions (4):

CeGaT Center for Human Genetics Tuebingen
Classification: Likely benign. Last evaluated: 2026-07-01. Review status: criteria provided, single submitter. Criteria: CeGaT Center For Human Genetics Tuebingen Variant Classification Criteria Version 2. Collection method: clinical testing. Allele origin: germline. Affected: yes. Observed: 2 variant alleles.
Comment: SLC1A1: BP4, BP7

Labcorp Genetics (formerly Invitae), Labcorp
Classification: Benign. Last evaluated: 2019-12-31. Review status: criteria provided, single submitter. Criteria: Invitae Variant Classification Sherloc (09022015). Collection method: clinical testing. Allele origin: germline.

Illumina Laboratory Services, Illumina
Classification: Uncertain significance for Dicarboxylic aminoaciduria. Last evaluated: 2018-01-12. Review status: criteria provided, single submitter. Criteria: ICSL Variant Classification Criteria 13 December 2019. Collection method: clinical testing. Allele origin: germline.

PreventionGenetics, part of Exact Sciences
Classification: Likely benign for SLC1A1-related condition. Last evaluated: 2019-10-30. Review status: no assertion criteria provided. Collection method: clinical testing. Allele origin: germline. Not counted in ClinVar's aggregate classification.
Comment: This variant is classified as likely benign based on ACMG/AMP sequence variant interpretation guidelines (Richards et al. 2015 PMID: 25741868, with internal and published modifications).